The following is an entry in ClinVar:

NM_001048174.2(MUTYH):c.92A>G (p.Gln31Arg)

Gene: MUTYH (mutY DNA glycosylase; minus strand). Cytogenetic location: 1p34.1.
Variant type: single nucleotide variant.
Coding change: c.92A>G on transcript NM_001048174.2 (MANE Select); coding-DNA position 92, A replaced by G.
Protein change: p.Gln31Arg; replaces glutamine 31 with arginine.
Molecular consequence: missense variant. On other transcripts: 5 prime UTR variant (4), non-coding transcript variant (2).
Genome position (GRCh38, 1-based): chr1:45,334,414, T>C on the plus strand (A>G on the coding strand, the complement: MUTYH is on the minus strand). VCF-style: chr1-45334414-T-C. GRCh37 (hg19) VCF-style: chr1-45800086-T-C.
Other names: c.92A>G, p.Gln31Arg (NM_001048171.2, NM_001048172.2, NM_001048173.2 and 2 more transcripts); c.134A>G, p.Gln45Arg (NM_001128425.2, NM_001293190.2, NM_012222.3); c.-121A>G (NM_001293192.2, NM_001293196.2); c.-180A>G (NM_001350650.2); c.-116A>G (NM_001350651.2); short protein forms Q45R, Q31R.
Identifiers: ClinVar variation 577318 (VCV000577318.21), dbSNP rs1557491929, ClinGen allele CA340137003.

ClinVar aggregate classification (germline): Conflicting classifications of pathogenicity. Review status: criteria provided, conflicting classifications (1 of 4 stars). 5 submissions from 5 submitters: Uncertain significance (4); Benign (1). Last evaluated 2025-09-09.

Conditions:
Hereditary cancer-predisposing syndrome. Also called: Tumor predisposition; Neoplastic Syndromes, Hereditary; Hereditary neoplastic syndrome; Hereditary Cancer Syndrome. Identifiers: Orphanet 140162, MedGen C0027672, MeSH D009386, MONDO:0015356.
Familial adenomatous polyposis 2. Also called: MYH-associated polyposis; FAP type 2; COLORECTAL ADENOMATOUS POLYPOSIS, AUTOSOMAL RECESSIVE; ADENOMAS, MULTIPLE COLORECTAL, AUTOSOMAL RECESSIVE; MUTYH-related attenuated familial adenomatous polyposis; MUTYH Polyposis. Identifiers: Orphanet 220460, Orphanet 247798, MedGen C3272841, MONDO:0012041, OMIM 608456.

Submissions (5):

Ambry Genetics
Classification: Benign for Hereditary cancer-predisposing syndrome. Last evaluated: 2025-09-09. Review status: criteria provided, single submitter. Criteria: Ambry Variant Classification Scheme 2023. Collection method: clinical testing. Allele origin: germline.

Labcorp Genetics (formerly Invitae), Labcorp
Classification: Uncertain significance for Familial adenomatous polyposis 2. Last evaluated: 2024-12-18. Review status: criteria provided, single submitter. Criteria: Invitae Variant Classification Sherloc (09022015). Collection method: clinical testing. Allele origin: germline.
Comment: This sequence change replaces glutamine, which is neutral and polar, with arginine, which is basic and polar, at codon 45 of the MUTYH protein (p.Gln45Arg). This variant is not present in population databases (gnomAD no frequency). This variant has not been reported in the literature in individuals affected with MUTYH-related conditions. ClinVar contains an entry for this variant (Variation ID: 577318). An algorithm developed to predict the effect of missense changes on protein structure and function outputs the following: PolyPhen-2: "Benign". The arginine amino acid residue is found in multiple mammalian species, which suggests that this missense change does not adversely affect protein function. In summary, the available evidence is currently insufficient to determine the role of this variant in disease. Therefore, it has been classified as a Variant of Uncertain Significance.

Color Diagnostics, LLC DBA Color Health
Classification: Uncertain significance for Hereditary cancer-predisposing syndrome. Last evaluated: 2024-03-06. Review status: criteria provided, single submitter. Criteria: ACMG Guidelines, 2015. Collection method: clinical testing. Allele origin: germline.
Comment: This missense variant replaces glutamine with arginine at codon 45 of the MUTYH protein. Computational prediction suggests that this variant may not impact protein structure and function (internally defined REVEL score threshold <= 0.5, PMID: 27666373). To our knowledge, functional studies have not been reported for this variant. This variant has not been reported in individuals affected with hereditary cancer in the literature. This variant has not been identified in the general population by the Genome Aggregation Database (gnomAD). The available evidence is insufficient to determine the role of this variant in disease conclusively. Therefore, this variant is classified as a Variant of Uncertain Significance.

All of Us Research Program, National Institutes of Health
Classification: Uncertain significance for Familial adenomatous polyposis 2. Last evaluated: 2023-11-30. Review status: criteria provided, single submitter. Criteria: ACMG Guidelines, 2015. Collection method: clinical testing. Allele origin: germline. Inheritance: Autosomal recessive inheritance. Observed: 2 variant alleles, 2 heterozygotes.
Comment: This missense variant replaces glutamine with arginine at codon 45 of the MUTYH protein. Computational prediction suggests that this variant may not impact protein structure and function (internally defined REVEL score threshold <= 0.5, PMID: 27666373). To our knowledge, functional studies have not been reported for this variant. This variant has not been reported in individuals affected with hereditary cancer in the literature. This variant has not been identified in the general population by the Genome Aggregation Database (gnomAD). The available evidence is insufficient to determine the role of this variant in disease conclusively. Therefore, this variant is classified as a Variant of Uncertain Significance.

This study involves interpretation of variants in research participants for the purpose of population health screening. Participant phenotype was not available at the time of variant classification. Additional details can be found in publication PMID: 35346344, PMCID: PMC8962531

Baylor Genetics
Classification: Uncertain significance for Familial adenomatous polyposis 2. Last evaluated: 2023-06-26. Review status: criteria provided, single submitter. Criteria: ACMG Guidelines, 2015. Collection method: clinical testing. Allele origin: unknown.